The following is an entry in ClinVar:

NM_001374828.1(ARID1B):c.1550_1590del (p.Gly517fs)

Gene: ARID1B (AT-rich interaction domain 1B; plus strand). Cytogenetic location: 6q25.3.
Variant type: Deletion.
Coding change: c.1550_1590del on transcript NM_001374828.1 (MANE Select); coding-DNA positions 1550 to 1590, 41 bases deleted.
Protein change: p.Gly517fs; shifts the reading frame from glycine 517.
Molecular consequence: frameshift variant.
Genome position (GRCh38, 1-based): chr6:156,779,230-156,779,270, 41 bases deleted; deleting any 41 consecutive bases within chr6:156,779,228-156,779,270 gives the same sequence; the c. name uses the placement nearest the transcript's 3' end. GRCh37 (hg19): chr6:157,100,364-157,100,404.
Other names: c.1301_1341del41 (NM_020732.3); c.1550_1590del, p.Gly517fs (NM_001371656.1, NM_001374820.1, NM_017519.3); short protein forms G517fs.
Identifiers: ClinVar variation 523968 (VCV000523968.2), dbSNP rs1554248137, ClinGen allele CA658796868.

ClinVar aggregate classification (germline): Pathogenic (1 of 4 stars; one submission).

Submission:

GeneDx
Classification: Pathogenic. Last evaluated: 2018-03-12. Review status: criteria provided, single submitter. Criteria: GeneDx Variant Classification (06012015). Collection method: clinical testing. Allele origin: germline. Affected: yes.
Comment: The c.1301_1341del41 variant in the ARID1B gene has not been reported previously as a pathogenic variant nor as a benign variant, to our knowledge. The c.1301_1341del41 variant causes a frameshift starting with codon Glycine 434, changes this amino acid to an Alanine residue, and creates a premature Stop codon at position 87 of the new reading frame, denoted p.Gly434AlafsX87. This variant is predicted to cause loss of normal protein function either through protein truncation or nonsense-mediated mRNA decay. The c.1301_1341del41 variant is not observed in large population cohorts (Lek et al., 2016). We interpret c.1301_1341del41 as a pathogenic variant.